The following is an entry in ClinVar:

ClinVar aggregate classification (germline): Uncertain significance. Review status: criteria provided, multiple submitters, no conflicts (2 of 4 stars). 2 submissions from 2 submitters: Uncertain significance (2). Last evaluated 2023-09-28.

Conditions:
Early-infantile DEE. Also called: Early infantile epileptic encephalopathy; Ohtahara syndrome; Early infantile epileptic encephalopathy with suppression bursts. Identifiers: Orphanet 1934, MedGen C0393706, MONDO:0800491.

Submissions (2):

Revvity Omics, Revvity
Classification: Uncertain significance. Last evaluated: 2023-09-28. Review status: criteria provided, single submitter. Criteria: ACMG Guidelines, 2015. Collection method: clinical testing. Allele origin: germline.

Labcorp Genetics (formerly Invitae), Labcorp
Classification: Uncertain significance for Early-infantile DEE. Last evaluated: 2021-04-07. Review status: criteria provided, single submitter. Criteria: Invitae Variant Classification Sherloc (09022015). Collection method: clinical testing. Allele origin: germline.
Comment: In summary, the available evidence is currently insufficient to determine the role of this variant in disease. Therefore, it has been classified as a Variant of Uncertain Significance. Algorithms developed to predict the effect of missense changes on protein structure and function are either unavailable or do not agree on the potential impact of this missense change (SIFT: "Deleterious"; PolyPhen-2: "Probably Damaging"; Align-GVGD: "Class C15"). This variant has not been reported in the literature in individuals with SPTAN1-related conditions. This variant is not present in population databases (ExAC no frequency). This sequence change replaces aspartic acid with asparagine at codon 732 of the SPTAN1 protein (p.Asp732Asn). The aspartic acid residue is highly conserved and there is a small physicochemical difference between aspartic acid and asparagine.

NM_001130438.3(SPTAN1):c.2194G>A (p.Asp732Asn)

Gene: SPTAN1 (spectrin alpha, non-erythrocytic 1; plus strand). Cytogenetic location: 9q34.11.
Variant type: single nucleotide variant.
Coding change: c.2194G>A on transcript NM_001130438.3 (MANE Select); coding-DNA position 2194, G replaced by A.
Protein change: p.Asp732Asn; replaces aspartic acid 732 with asparagine.
Molecular consequence: missense variant.
Genome position (GRCh38, 1-based): chr9:128,584,282, G>A. VCF-style: chr9-128584282-G-A. GRCh37 (hg19) VCF-style: chr9-131346561-G-A.
Other names: c.2194G>A, p.Asp732Asn (NM_001195532.2, NM_001363759.2, NM_001363765.2 and 5 more transcripts); c.2230G>A, p.Asp744Asn (NM_001375312.2, NM_001375318.1); short protein forms D732N, D744N.
Identifiers: ClinVar variation 1512338 (VCV001512338.11), dbSNP rs2131160403, ClinGen allele CA375057085.